The following is an entry in ClinVar:

ClinVar aggregate classification (germline): Uncertain significance (1 of 4 stars; one submission).

Conditions:
Tietz syndrome (TADS). Also called: ALBINISM-DEAFNESS OF TIETZ; HYPOPIGMENTATION/DEAFNESS OF TIETZ; TIETZ ALBINISM-DEAFNESS SYNDROME. Identifiers: Orphanet 42665, MedGen C0391816, MONDO:0007077, OMIM 103500.
Waardenburg syndrome type 2A (WS2A). Also called: WAARDENBURG SYNDROME WITHOUT DYSTOPIA CANTHORUM. Identifiers: Orphanet 3440, MedGen C1860339, MONDO:0008671, OMIM 193510.
Melanoma, cutaneous malignant, susceptibility to, 8. Also called: MELANOMA AND RENAL CELL CARCINOMA, SUSCEPTIBILITY TO; Cutaneous malignant melanoma 8. Identifiers: Orphanet 293822, MedGen C3152204, MONDO:0013759, OMIM 614456.

gnomAD v4.1: 1 of 1,614,154 alleles (0.000062%); highest among the groups gnomAD compares: Non-Finnish European, 0.000085%; no homozygotes.

Submission:

Labcorp Genetics (formerly Invitae), Labcorp
Classification: Uncertain significance for Melanoma, cutaneous malignant, susceptibility to, 8; Waardenburg syndrome type 2A; Tietz syndrome. Last evaluated: 2025-01-21. Review status: criteria provided, single submitter. Criteria: Invitae Variant Classification Sherloc (09022015). Collection method: clinical testing. Allele origin: germline.
Comment: This sequence change replaces glycine, which is neutral and non-polar, with serine, which is neutral and polar, at codon 58 of the MITF protein (p.Gly58Ser). This variant is not present in population databases (gnomAD no frequency). This variant has not been reported in the literature in individuals affected with MITF-related conditions. ClinVar contains an entry for this variant (Variation ID: 1718818). Invitae Evidence Modeling of protein sequence and biophysical properties (such as structural, functional, and spatial information, amino acid conservation, physicochemical variation, residue mobility, and thermodynamic stability) indicates that this missense variant is not expected to disrupt MITF protein function with a negative predictive value of 80%. In summary, the available evidence is currently insufficient to determine the role of this variant in disease. Therefore, it has been classified as a Variant of Uncertain Significance.

NM_001354604.2(MITF):c.493G>A (p.Gly165Ser)

Gene: MITF (melanocyte inducing transcription factor; plus strand). Cytogenetic location: 3p13.
Variant type: single nucleotide variant.
Coding change: c.493G>A on transcript NM_001354604.2 (MANE Select); coding-DNA position 493, G replaced by A.
Protein change: p.Gly165Ser; replaces glycine 165 with serine.
Molecular consequence: missense variant. On other transcripts: intron variant (1).
Genome position (GRCh38, 1-based): chr3:69,937,960, G>A. VCF-style: chr3-69937960-G-A. GRCh37 (hg19) VCF-style: chr3-69987111-G-A.
Other names: c.172G>A, p.Gly58Ser (NM_000248.4, NM_001184968.2, NM_198158.3); c.337G>A, p.Gly113Ser (NM_001184967.2, NM_001354608.2); c.490G>A, p.Gly164Ser (NM_001354605.2, NM_001354606.2, NM_006722.3); c.442G>A, p.Gly148Ser (NM_001354607.2); c.493G>A, p.Gly165Ser (NM_198159.3); c.445G>A, p.Gly149Ser (NM_198177.3); c.93+79G>A (NM_198178.3); short protein forms G113S, G148S, G149S, G164S, G165S, G58S.
Identifiers: ClinVar variation 1718818 (VCV001718818.5), dbSNP rs1179298440, ClinGen allele CA353560557.